The following is an entry in ClinVar:

ClinVar aggregate classification (germline): Pathogenic (1 of 4 stars; one submission).

Conditions:
Fanconi anemia (FA). Also called: Fanconi's anemia. Identifiers: Orphanet 84, MedGen C0015625, MeSH D005199, MONDO:0019391.

Submission:

Labcorp Genetics (formerly Invitae), Labcorp
Classification: Pathogenic for Fanconi anemia. Last evaluated: 2022-09-09. Review status: criteria provided, single submitter. Criteria: Invitae Variant Classification Sherloc (09022015). Collection method: clinical testing. Allele origin: germline.
Comment: This variant is a gross deletion of the genomic region encompassing exon(s) 19-21 of the FANCA gene. This deletion is out-of-frame, and is expected to create a premature termination codon and result in an absent or disrupted protein product. Loss-of-function variants in FANCA are known to be pathogenic (PMID: 19367192). A similar copy number variant has been observed in individual(s) with Fanconi anemia (PMID: 21273304). For these reasons, this variant has been classified as Pathogenic.

Literature cited by the submitters: PubMed 19367192; PubMed 21273304.

NC_000016.9:g.(?_89842140)_(89845421_?)del

Gene: FANCA (FA complementation group A; minus strand). Cytogenetic location: 16q24.3.
Variant type: Deletion.
Identifiers: ClinVar variation 1458658 (VCV001458658.6).